The following is an entry in ClinVar:

ClinVar aggregate classification (germline): Pathogenic/Likely pathogenic. Review status: criteria provided, multiple submitters, no conflicts (2 of 4 stars). 5 submissions from 5 submitters: Pathogenic (4); Likely pathogenic (1). Last evaluated 2025-12-19.

Conditions:
Hermansky-Pudlak syndrome (HPS). Also called: ALBINISM WITH HEMORRHAGIC DIATHESIS AND PIGMENTED RETICULOENDOTHELIAL CELLS. Identifiers: Orphanet 79430, MedGen C0079504, MONDO:0019312.
Hermansky-Pudlak syndrome 3 (HPS3). Identifiers: Orphanet 231512, Orphanet 79430, MedGen C3888001, MONDO:0013555, OMIM 614072.

Allele frequency attached by ClinVar (database versions not stated): TOPMed 0.00002; ExAC 0.00003; gnomAD exomes 0.00003.
gnomAD v4.1: 15 of 1,613,858 alleles (0.00093%); highest among the groups gnomAD compares: East Asian, 0.0022%; no homozygotes.

Submissions (5):

Natera, Inc.
Classification: Pathogenic for Hermansky-Pudlak syndrome. Last evaluated: 2025-12-19. Review status: criteria provided, single submitter. Criteria: Natera Variant Classification Schema (03/2026). Collection method: clinical testing. Allele origin: germline.
Comment: The c.1588C>T variant in HPS3 is a nonsense variant predicted to introduce a stop codon at amino acid 530. This variant is expected to result in nonsense mediated decay, truncation, or a dysfunctional protein product. This variant is rare in the general population with a frequency below the threshold expected for the associated phenotype(s). This variant has been observed in one or more individuals affected with the associated recessive disease, as either homozygous or compound heterozygous with a second variant (PMID: 34303877). Given the available evidence, this variant is classified as Pathogenic.

Labcorp Genetics (formerly Invitae), Labcorp
Classification: Pathogenic. Last evaluated: 2025-04-13. Review status: criteria provided, single submitter. Criteria: Invitae Variant Classification Sherloc (09022015). Collection method: clinical testing. Allele origin: germline.
Comment: This sequence change creates a premature translational stop signal (p.Arg530*) in the HPS3 gene. It is expected to result in an absent or disrupted protein product. Loss-of-function variants in HPS3 are known to be pathogenic (PMID: 11590544). This variant is present in population databases (rs755841847, gnomAD 0.01%). This variant has not been reported in the literature in individuals affected with HPS3-related conditions. ClinVar contains an entry for this variant (Variation ID: 958132). For these reasons, this variant has been classified as Pathogenic.

Women's Health and Genetics/Laboratory Corporation of America, LabCorp
Classification: Pathogenic for Hermansky-Pudlak syndrome. Last evaluated: 2025-02-18. Review status: criteria provided, single submitter. Criteria: LabCorp Variant Classification Summary - May 2015. Collection method: clinical testing. Allele origin: germline.
Comment: Variant summary: HPS3 c.1588C>T (p.Arg530X) results in a premature termination codon, predicted to cause a truncation of the encoded protein or absence of the protein due to nonsense mediated decay, which are commonly known mechanisms for disease. The variant allele was found at a frequency of 2.8e-05 in 251048 control chromosomes. c.1588C>T has been reported in the literature in at-least one individual affected with Hermansky-Pudlak Syndrome (example: Abraham_2021). These data indicate that the variant may be associated with disease. The following publication has been ascertained in the context of this evaluation (PMID: 34303877). ClinVar contains an entry for this variant (Variation ID: 958132). Based on the evidence outlined above, the variant was classified as pathogenic.

Fulgent Genetics
Classification: Pathogenic for Hermansky-Pudlak syndrome 3. Last evaluated: 2024-02-29. Review status: criteria provided, single submitter. Criteria: ACMG Guidelines, 2015. Collection method: clinical testing. Allele origin: germline.

Baylor Genetics
Classification: Likely pathogenic for Hermansky-Pudlak syndrome 3. Last evaluated: 2023-01-17. Review status: criteria provided, single submitter. Criteria: ACMG Guidelines, 2015. Collection method: clinical testing. Allele origin: unknown.

Literature cited by the submitters: PubMed 34303877 (cited by Natera, Inc. and Women's Health and Genetics/Laboratory Corporation of America, LabCorp); PubMed 11590544 (cited by Labcorp Genetics (formerly Invitae), Labcorp).

NM_032383.5(HPS3):c.1588C>T (p.Arg530Ter)

Gene: HPS3 (HPS3 biogenesis of lysosomal organelles complex 2 subunit 1; plus strand). Cytogenetic location: 3q24.
Variant type: single nucleotide variant.
Coding change: c.1588C>T on transcript NM_032383.5 (MANE Select); coding-DNA position 1588, C replaced by T.
Protein change: p.Arg530Ter; replaces arginine 530 with a stop codon.
Molecular consequence: nonsense.
Genome position (GRCh38, 1-based): chr3:149,157,428, C>T. VCF-style: chr3-149157428-C-T. GRCh37 (hg19) VCF-style: chr3-148875215-C-T.
Other names: c.1093C>T, p.Arg365Ter (NM_001308258.2); short protein forms R365*, R530*.
Identifiers: ClinVar variation 958132 (VCV000958132.11), dbSNP rs755841847, ClinGen allele CA2660130.